The following is an entry in ClinVar:

ClinVar aggregate classification (germline): Uncertain significance (1 of 4 stars; one submission).

Conditions:
Brugada syndrome. Also called: Sudden Unexplained Death Syndrome; Sudden Unexplained Nocturnal Death Syndrome (SUNDS); Sudden unexpected nocturnal death syndrome; Sudden unexplained nocturnal death syndrome. Identifiers: Orphanet 130, MedGen C1142166, MONDO:0015263.

Allele frequency attached by ClinVar (database versions not stated): gnomAD exomes below 0.00001; TOPMed below 0.00001; gnomAD 0.00001.
gnomAD v4.1: 5 of 1,532,530 alleles (0.00033%); highest among the groups gnomAD compares: Admixed American, 0.0017%; no homozygotes.

Submission:

Labcorp Genetics (formerly Invitae), Labcorp
Classification: Uncertain significance for Brugada syndrome. Last evaluated: 2025-07-30. Review status: criteria provided, single submitter. Criteria: Invitae Variant Classification Sherloc (09022015). Collection method: clinical testing. Allele origin: germline.
Comment: This sequence change replaces glutamic acid, which is acidic and polar, with glycine, which is neutral and non-polar, at codon 674 of the SLMAP protein (p.Glu674Gly). This variant is not present in population databases (gnomAD no frequency). This variant has not been reported in the literature in individuals affected with SLMAP-related conditions. ClinVar contains an entry for this variant (Variation ID: 2904463). An algorithm developed to predict the effect of missense changes on protein structure and function (PolyPhen-2) suggests that this variant is likely to be disruptive. In summary, the available evidence is currently insufficient to determine the role of this variant in disease. Therefore, it has been classified as a Variant of Uncertain Significance.

NM_001377540.1(SLMAP):c.2123A>G (p.Glu708Gly)

Gene: SLMAP (sarcolemma associated protein; plus strand). Cytogenetic location: 3p14.3.
Variant type: single nucleotide variant.
Coding change: c.2123A>G on transcript NM_001377540.1 (MANE Select); coding-DNA position 2123, A replaced by G.
Protein change: p.Glu708Gly; replaces glutamic acid 708 with glycine.
Molecular consequence: missense variant. On other transcripts: non-coding transcript variant (1).
Genome position (GRCh38, 1-based): chr3:57,913,260, A>G. VCF-style: chr3-57913260-A-G. GRCh37 (hg19) VCF-style: chr3-57898987-A-G.
Other names: c.2072A>G, p.Glu691Gly (NM_001377541.1, NM_001377542.1, NM_001304420.3); c.2060A>G, p.Glu687Gly (NM_001377545.1); c.2021A>G, p.Glu674Gly (NM_001377549.1, NM_007159.5); c.2009A>G, p.Glu670Gly (NM_001377551.1, NM_001377552.1); c.2000A>G, p.Glu667Gly (NM_001377555.1); c.1958A>G, p.Glu653Gly (NM_001377557.1, NM_001377559.1, NM_001304421.2); c.1949A>G, p.Glu650Gly (NM_001377562.1, NM_001377921.1); c.1937A>G, p.Glu646Gly (NM_001377922.1); and 8 more; short protein forms E225G, E629G, E650G, E653G, E715G, E670G, E691G, E708G.
Identifiers: ClinVar variation 2904463 (VCV002904463.3), dbSNP rs2096736795, ClinGen allele CA353409168.